The following is an entry in ClinVar:

ClinVar aggregate classification (germline): Uncertain significance. Review status: criteria provided, multiple submitters, no conflicts (2 of 4 stars). 2 submissions from 2 submitters: Uncertain significance (2). Last evaluated 2023-11-25.

Submissions (2):

Labcorp Genetics (formerly Invitae), Labcorp
Classification: Uncertain significance. Last evaluated: 2023-11-25. Review status: criteria provided, single submitter. Criteria: Invitae Variant Classification Sherloc (09022015). Collection method: clinical testing. Allele origin: germline.
Comment: This sequence change replaces arginine, which is basic and polar, with glutamine, which is neutral and polar, at codon 276 of the TUBB2A protein (p.Arg276Gln). This variant is not present in population databases (gnomAD no frequency). This variant has not been reported in the literature in individuals affected with TUBB2A-related conditions. ClinVar contains an entry for this variant (Variation ID: 1310960). Advanced modeling of protein sequence and biophysical properties (such as structural, functional, and spatial information, amino acid conservation, physicochemical variation, residue mobility, and thermodynamic stability) performed at Invitae indicates that this missense variant is not expected to disrupt TUBB2A protein function with a negative predictive value of 95%. In summary, the available evidence is currently insufficient to determine the role of this variant in disease. Therefore, it has been classified as a Variant of Uncertain Significance.

GeneDx
Classification: Uncertain significance. Last evaluated: 2020-01-11. Review status: criteria provided, single submitter. Criteria: GeneDx Variant Classification Process June 2021. Collection method: clinical testing. Allele origin: germline. Affected: yes.
Comment: Not observed in large population cohorts (Lek et al., 2016); In silico analysis, which includes protein predictors and evolutionary conservation, supports a deleterious effect; Has not been previously published as pathogenic or benign to our knowledge

NM_001069.3(TUBB2A):c.827G>A (p.Arg276Gln)

Gene: TUBB2A (tubulin beta 2A class IIa; minus strand). Cytogenetic location: 6p25.2.
Variant type: single nucleotide variant.
Coding change: c.827G>A on transcript NM_001069.3 (MANE Select); coding-DNA position 827, G replaced by A.
Protein change: p.Arg276Gln; replaces arginine 276 with glutamine.
Molecular consequence: missense variant.
Genome position (GRCh38, 1-based): chr6:3,154,374, C>T on the plus strand (G>A on the coding strand, the complement: TUBB2A is on the minus strand). VCF-style: chr6-3154374-C-T. GRCh37 (hg19) VCF-style: chr6-3154608-C-T.
Other names: c.572G>A, p.Arg191Gln (NM_001310315.2); short protein forms R191Q, R276Q.
Identifiers: ClinVar variation 1310960 (VCV001310960.5), dbSNP rs2113785278, ClinGen allele CA362591876.